The following is an entry in ClinVar:

NM_014014.5(SNRNP200):c.4763+5G>A

Gene: SNRNP200 (small nuclear ribonucleoprotein U5 subunit 200; minus strand). Cytogenetic location: 2q11.2.
Variant type: single nucleotide variant.
Coding change: c.4763+5G>A on transcript NM_014014.5 (MANE Select); 5 bases into the intron after coding-DNA position 4763, G replaced by A.
Molecular consequence: intron variant.
Genome position (GRCh38, 1-based): chr2:96,283,530, C>T on the plus strand (G>A on the coding strand, the complement: SNRNP200 is on the minus strand). VCF-style: chr2-96283530-C-T. GRCh37 (hg19) VCF-style: chr2-96949268-C-T.
Identifiers: ClinVar variation 2139119 (VCV002139119.4), dbSNP rs201505794, ClinGen allele CA1778147.

ClinVar aggregate classification (germline): Uncertain significance (1 of 4 stars; one submission).

Allele frequency attached by ClinVar (database versions not stated): TOPMed 0.00008; gnomAD 0.00010; 1000 Genomes Project 0.00020; 1000 Genomes Project 30x 0.00031.
gnomAD v4.1: 35 of 1,614,158 alleles (0.0022%); highest among the groups gnomAD compares: African/African-American, 0.028%; no homozygotes.

Submission:

Labcorp Genetics (formerly Invitae), Labcorp
Classification: Uncertain significance. Last evaluated: 2024-05-27. Review status: criteria provided, single submitter. Criteria: Invitae Variant Classification Sherloc (09022015). Collection method: clinical testing. Allele origin: germline.
Comment: This sequence change falls in intron 33 of the SNRNP200 gene. It does not directly change the encoded amino acid sequence of the SNRNP200 protein. It affects a nucleotide within the consensus splice site. This variant is present in population databases (rs201505794, gnomAD 0.02%). This variant has not been reported in the literature in individuals affected with SNRNP200-related conditions. ClinVar contains an entry for this variant (Variation ID: 2139119). Variants that disrupt the consensus splice site are a relatively common cause of aberrant splicing (PMID: 17576681, 9536098). Algorithms developed to predict the effect of sequence changes on RNA splicing suggest that this variant is not likely to affect RNA splicing. In summary, the available evidence is currently insufficient to determine the role of this variant in disease. Therefore, it has been classified as a Variant of Uncertain Significance.

Literature cited by the submitters: PubMed 17576681; PubMed 9536098.